The following is an entry in ClinVar:

NM_020975.6(RET):c.2641C>G (p.Leu881Val)

Gene: RET (ret proto-oncogene; plus strand). Cytogenetic location: 10q11.21.
Variant type: single nucleotide variant.
Coding change: c.2641C>G on transcript NM_020975.6 (MANE Select); coding-DNA position 2641, C replaced by G.
Protein change: p.Leu881Val; replaces leucine 881 with valine.
Molecular consequence: missense variant.
Genome position (GRCh38, 1-based): chr10:43,120,114, C>G. VCF-style: chr10-43120114-C-G. GRCh37 (hg19) VCF-style: chr10-43615562-C-G.
Other names: c.2641C>G, p.Leu881Val (NM_000323.2, NM_001406743.1, NM_001406744.1 and 4 more transcripts); c.1879C>G, p.Leu627Val (NM_001355216.2); c.2512C>G, p.Leu838Val (NM_001406761.1, NM_001406762.1, NM_001406764.1); c.2506C>G, p.Leu836Val (NM_001406763.1, NM_001406765.1); c.2353C>G, p.Leu785Val (NM_001406766.1, NM_001406767.1, NM_001406770.1); c.2377C>G, p.Leu793Val (NM_001406768.1); c.2245C>G, p.Leu749Val (NM_001406769.1, NM_001406772.1); c.2203C>G, p.Leu735Val (NM_001406771.1, NM_001406773.1); and 10 more; short protein forms L627V, L639V, L537V, L706V, L785V, L838V, L398V, L446V.
Identifiers: ClinVar variation 24957 (VCV000024957.22), dbSNP rs377767427, ClinGen allele CA008953.

ClinVar aggregate classification (germline): Uncertain significance. Review status: criteria provided, multiple submitters, no conflicts (2 of 4 stars). 8 submissions from 7 submitters: Uncertain significance (6). 2 of the submissions do not count toward it. Last evaluated 2025-12-03.

Conditions:
Hereditary cancer-predisposing syndrome. Also called: Neoplastic Syndromes, Hereditary; Tumor predisposition; Hereditary Cancer Syndrome; Hereditary neoplastic syndrome. Identifiers: Orphanet 140162, MedGen C0027672, MeSH D009386, MONDO:0015356.
Multiple endocrine neoplasia, type 2 (MEN2). Identifiers: Orphanet 653, MedGen C4048306, MONDO:0019003. Disease mechanism: gain of function.
Multiple endocrine neoplasia type 2A. Also called: MULTIPLE ENDOCRINE NEOPLASIA, TYPE IIA; PTC SYNDROME; SIPPLE SYNDROME; MEN 2A; MEN-2A syndrome; Pheochromocytoma and amyloid producing medullary thyroid carcinoma. Identifiers: Orphanet 247698, Orphanet 653, MedGen C0025268, MeSH D018813, MONDO:0008234, OMIM 171400.
Multiple endocrine neoplasia type 2B. Also called: MULTIPLE ENDOCRINE NEOPLASIA, TYPE IIB; Multiple endocrine neoplasia, type 3; MEN 2B; WAGENMANN-FROBOESE SYNDROME; MULTIPLE ENDOCRINE NEOPLASIA, TYPE III; MUCOSAL NEUROMA SYNDROME. Identifiers: Orphanet 247709, Orphanet 653, MedGen C0025269, MeSH D018814, MONDO:0008082, OMIM 162300.

Allele frequency attached by ClinVar (database versions not stated): gnomAD exomes below 0.00001 and 0.00001; ExAC 0.00001.
gnomAD v4.1: 11 of 1,613,978 alleles (0.00068%); highest among the groups gnomAD compares: South Asian, 0.0011%; no homozygotes.

Submissions (8):

Ambry Genetics
Classification: Uncertain significance for Hereditary cancer-predisposing syndrome. Last evaluated: 2025-12-03. Review status: criteria provided, single submitter. Criteria: Ambry Variant Classification Scheme 2023. Collection method: clinical testing. Allele origin: germline.
Comment: The p.L881V variant (also known as c.2641C>G), located in coding exon 15 of the RET gene, results from a C to G substitution at nucleotide position 2641. The leucine at codon 881 is replaced by valine, an amino acid with highly similar properties. This alteration was previously identified in an individual with medullary thyroid cancer, as well as both asymptomatic and symptomatic family members, prompting authors to suggest that the alteration is a low risk mutation associated with late onset and incomplete penetrance (Frank-Raue K, et al. Exp. Clin. Endocrinol. Diabetes. 2010 Aug;118:550-3). This amino acid position is highly conserved in available vertebrate species. In addition, this alteration is predicted to be deleterious by in silico analysis. Based on the available evidence, the clinical significance of this variant remains unclear.

Women's Health and Genetics/Laboratory Corporation of America, LabCorp
Classification: Uncertain significance. Last evaluated: 2025-11-17. Review status: criteria provided, single submitter. Criteria: LabCorp Variant Classification Summary - May 2015. Collection method: clinical testing. Allele origin: germline.
Comment: Variant summary: RET c.2641C>G (p.Leu881Val) results in a conservative amino acid change in the encoded protein sequence. Algorithms developed to predict the effect of missense changes on protein structure and function are either unavailable or do not agree on the potential impact of this missense change. The variant allele was found at a frequency of 4e-06 in 250510 control chromosomes. The available data on variant occurrences in the general population are insufficient to allow any conclusion about variant significance. c.2641C>G has been observed in an individual affected with Medullary Thyroid Carcinoma and also present in at-least two unaffected family members (Frank-Raue_2009). These report(s) do not provide unequivocal conclusions about association of the variant with Multiple Endocrine Neoplasia Type 2/Familial Medullary Thyroid Carcinoma. To our knowledge, no experimental evidence demonstrating an impact on protein function has been reported. ClinVar contains an entry for this variant (Variation ID: 24957). The following publication has been ascertained in the context of this evaluation (PMID: 20013610). Based on the evidence outlined above, the variant was classified as uncertain significance.

Labcorp Genetics (formerly Invitae), Labcorp
Classification: Uncertain significance for Multiple endocrine neoplasia, type 2. Last evaluated: 2025-08-06. Review status: criteria provided, single submitter. Criteria: Invitae Variant Classification Sherloc (09022015). Collection method: clinical testing. Allele origin: germline.
Comment: This sequence change replaces leucine, which is neutral and non-polar, with valine, which is neutral and non-polar, at codon 881 of the RET protein (p.Leu881Val). This variant is present in population databases (rs377767427, gnomAD 0.003%). This missense change has been observed in individual(s) with medullary thyroid carcinoma, C-cell hyperplasia, and cancer (PMID: 20013610). ClinVar contains an entry for this variant (Variation ID: 24957). An algorithm developed to predict the effect of missense changes on protein structure and function (PolyPhen-2) suggests that this variant is likely to be disruptive. In summary, the available evidence is currently insufficient to determine the role of this variant in disease. Therefore, it has been classified as a Variant of Uncertain Significance.

Color Diagnostics, LLC DBA Color Health
Classification: Uncertain significance for Multiple endocrine neoplasia, type 2. Last evaluated: 2025-07-05. Review status: criteria provided, single submitter. Criteria: ACMG Guidelines, 2015. Collection method: clinical testing. Allele origin: germline.
Comment: This missense variant replaces leucine with valine at codon 881 of the RET protein. Computational prediction suggests that this variant may have deleterious impact on protein structure and function. To our knowledge, functional studies have not been reported for this variant. This variant has been reported in two members of a family affected with medullary thryroid microcarcinoma and C-cell hyperplasia, respectively, and also found in two unaffected family members (PMID: 20013610). This variant also has been reported as an acquired somatic mutation conferring resistance to the tyrosine kinase inhibitor, Vandetanib (PMID: 31118272). This variant has been identified in 1/250510 chromosomes in the general population by the Genome Aggregation Database (gnomAD). The available evidence is insufficient to determine the role of this variant in disease conclusively. Therefore, this variant is classified as a Variant of Uncertain Significance.

Myriad Genetics, Inc.
Classification: Uncertain significance for Multiple endocrine neoplasia type 2A. Last evaluated: 2023-04-18. Review status: criteria provided, single submitter. Criteria: Myriad Autosomal Dominant, Autosomal Recessive and X-Linked Classification Criteria (2023). Collection method: clinical testing. Allele origin: unknown.
Comment: This variant is classified as a variant of uncertain significance as there is insufficient evidence to determine its impact on protein function and/or cancer risk.

GeneDx
Classification: Uncertain significance. Last evaluated: 2019-04-08. Review status: criteria provided, single submitter. Criteria: GeneDx Variant Classification Process June 2021. Collection method: clinical testing. Allele origin: germline. Affected: yes.
Comment: Observed in an individual with medullary thyroid microcarcinoma, a relative with C-cell hyperplasia, and two unaffected relatives (Frank-Raue et al., 2010); Not observed at a significant frequency in large population cohorts (Lek et al., 2016); In silico analysis, which includes protein predictors and evolutionary conservation, supports a deleterious effect; This variant is associated with the following publications: (PMID: 21479187, 1479187, 20013610)

Counsyl
Classification: Uncertain significance for Multiple endocrine neoplasia type 2B. Last evaluated: 2016-02-16. Review status: no assertion criteria provided. Collection method: clinical testing. Allele origin: unknown. Not counted in ClinVar's aggregate classification.

Counsyl
Classification: Uncertain significance for Multiple endocrine neoplasia type 2A. Last evaluated: 2016-02-16. Review status: no assertion criteria provided. Collection method: clinical testing. Allele origin: unknown. Not counted in ClinVar's aggregate classification.

Literature cited by the submitters: PubMed 20013610 (cited by 5 submitters); PubMed 31118272 (cited by Color Diagnostics, LLC DBA Color Health); PubMed 21479187 (cited by Counsyl).